The following is an entry in ClinVar:

ClinVar aggregate classification (germline): Pathogenic (1 of 4 stars; one submission).

Submission:

ARUP Laboratories, Molecular Genetics and Genomics, ARUP Laboratories
Classification: Pathogenic. Last evaluated: 2024-11-14. Review status: criteria provided, single submitter. Criteria: ARUP Molecular Germline Variant Investigation Process 2024. Collection method: clinical testing. Allele origin: germline.
Comment: The SPTB c.4807C>T; p.Gln1603Ter variant is reported in the literature in a single individuals affected with spherocytosis (Fan 2021). This variant is absent from the Genome Aggregation Database (v2.1.1), indicating it is not a common polymorphism. This variant induces an early termination codon and is predicted to result in a truncated protein or mRNA subject to nonsense-mediated decay. Based on available information, this variant is considered to be pathogenic. References Fan J et al. The updated beta-spectrin mutations in patients with hereditary spherocytosis by targeted next-generation sequencing. J Hum Genet. 2021 Dec;66(12):1153-1158. PMID: 34140613.

NM_001355436.2(SPTB):c.4807C>T (p.Gln1603Ter)

Gene: SPTB (spectrin beta, erythrocytic; minus strand). Cytogenetic location: 14q23.3.
Variant type: single nucleotide variant.
Coding change: c.4807C>T on transcript NM_001355436.2 (MANE Select); coding-DNA position 4807, C replaced by T.
Protein change: p.Gln1603Ter; replaces glutamine 1603 with a stop codon.
Molecular consequence: nonsense.
Genome position (GRCh38, 1-based): chr14:64,775,160, G>A on the plus strand (C>T on the coding strand, the complement: SPTB is on the minus strand). VCF-style: chr14-64775160-G-A. GRCh37 (hg19) VCF-style: chr14-65241878-G-A.
Other names: c.4807C>T, p.Gln1603Ter (NM_001024858.4, NM_001355437.2); short protein forms Q1603*.
Identifiers: ClinVar variation 3766982 (VCV003766982.1).